The following is an entry in ClinVar:

NM_002528.7(NTHL1):c.844T>C (p.Cys282Arg)

Gene: NTHL1 (nth like DNA glycosylase 1; minus strand). Cytogenetic location: 16p13.3.
Variant type: single nucleotide variant.
Coding change: c.844T>C on transcript NM_002528.7 (MANE Select); coding-DNA position 844, T replaced by C.
Protein change: p.Cys282Arg; replaces cysteine 282 with arginine.
Molecular consequence: missense variant.
Genome position (GRCh38, 1-based): chr16:2,039,995, A>G on the plus strand (T>C on the coding strand, the complement: NTHL1 is on the minus strand). VCF-style: chr16-2039995-A-G. GRCh37 (hg19) VCF-style: chr16-2089996-A-G.
Other names: c.673T>C, p.Cys225Arg (NM_001318193.2); c.514T>C, p.Cys172Arg (NM_001318194.2); short protein forms C172R, C225R, C282R.
Identifiers: ClinVar variation 1721603 (VCV001721603.9), dbSNP rs2548311430, ClinGen allele CA394287268.

ClinVar aggregate classification (germline): Uncertain significance. Review status: criteria provided, multiple submitters, no conflicts (2 of 4 stars). 2 submissions from 2 submitters: Uncertain significance (2). Last evaluated 2025-05-15.

Conditions:
Hereditary cancer-predisposing syndrome. Also called: Hereditary neoplastic syndrome; Neoplastic Syndromes, Hereditary; Hereditary Cancer Syndrome; Tumor predisposition. Identifiers: Orphanet 140162, MedGen C0027672, MeSH D009386, MONDO:0015356.

Submissions (2):

Ambry Genetics
Classification: Uncertain significance for Hereditary cancer-predisposing syndrome. Last evaluated: 2025-05-15. Review status: criteria provided, single submitter. Criteria: Ambry Variant Classification Scheme 2023. Collection method: clinical testing. Allele origin: germline.
Comment: The p.C290R variant (also known as c.868T>C), located in coding exon 6 of the NTHL1 gene, results from a T to C substitution at nucleotide position 868. The cysteine at codon 290 is replaced by arginine, an amino acid with highly dissimilar properties. This amino acid position is conserved. In addition, this alteration is predicted to be deleterious by in silico analysis. Since supporting evidence is limited at this time, the clinical significance of this alteration remains unclear.

Labcorp Genetics (formerly Invitae), Labcorp
Classification: Uncertain significance. Last evaluated: 2023-05-23. Review status: criteria provided, single submitter. Criteria: Invitae Variant Classification Sherloc (09022015). Collection method: clinical testing. Allele origin: germline.
Comment: This sequence change replaces cysteine, which is neutral and slightly polar, with arginine, which is basic and polar, at codon 290 of the NTHL1 protein (p.Cys290Arg). This variant is not present in population databases (gnomAD no frequency). In summary, the available evidence is currently insufficient to determine the role of this variant in disease. Therefore, it has been classified as a Variant of Uncertain Significance. An algorithm developed to predict the effect of missense changes on protein structure and function (PolyPhen-2) suggests that this variant is likely to be disruptive. ClinVar contains an entry for this variant (Variation ID: 1721603). This variant has not been reported in the literature in individuals affected with NTHL1-related conditions.